The following is an entry in ClinVar:

NM_000057.4(BLM):c.2122G>A (p.Gly708Arg)

Gene: BLM (BLM RecQ like helicase; plus strand). Cytogenetic location: 15q26.1.
Variant type: single nucleotide variant.
Coding change: c.2122G>A on transcript NM_000057.4 (MANE Select); coding-DNA position 2122, G replaced by A.
Protein change: p.Gly708Arg; replaces glycine 708 with arginine.
Molecular consequence: missense variant.
Genome position (GRCh38, 1-based): chr15:90,765,343, G>A. VCF-style: chr15-90765343-G-A. GRCh37 (hg19) VCF-style: chr15-91308573-G-A.
Other names: c.2122G>A, p.Gly708Arg (NM_001287246.2, NM_001287247.2); c.997G>A, p.Gly333Arg (NM_001287248.2); short protein forms G333R, G708R.
Identifiers: ClinVar variation 949862 (VCV000949862.10), dbSNP rs1555420390, ClinGen allele CA393844605.

ClinVar aggregate classification (germline): Uncertain significance (1 of 4 stars; one submission).

Conditions:
Bloom syndrome (BLM). Also called: Bloom-Torre-Machacek syndrome. Identifiers: Orphanet 125, MedGen C0005859, MONDO:0008876, OMIM 210900.

Submission:

Labcorp Genetics (formerly Invitae), Labcorp
Classification: Uncertain significance for Bloom syndrome. Last evaluated: 2020-07-08. Review status: criteria provided, single submitter. Criteria: Invitae Variant Classification Sherloc (09022015). Collection method: clinical testing. Allele origin: germline.
Comment: This sequence change replaces glycine with arginine at codon 708 of the BLM protein (p.Gly708Arg). The glycine residue is highly conserved and there is a moderate physicochemical difference between glycine and arginine. This variant is not present in population databases (ExAC no frequency). This variant has not been reported in the literature in individuals with BLM-related conditions. Algorithms developed to predict the effect of missense changes on protein structure and function are either unavailable or do not agree on the potential impact of this missense change (SIFT: "Deleterious"; PolyPhen-2: "Probably Damaging"; Align-GVGD: "Class C15"). Algorithms developed to predict the effect of sequence changes on RNA splicing suggest that this variant may create or strengthen a splice site, but this prediction has not been confirmed by published transcriptional studies. In summary, the available evidence is currently insufficient to determine the role of this variant in disease. Therefore, it has been classified as a Variant of Uncertain Significance.